The following is an entry in ClinVar:

ClinVar aggregate classification (germline): Conflicting classifications of pathogenicity. Review status: criteria provided, conflicting classifications (1 of 4 stars). 3 submissions from 2 submitters: Uncertain significance (1); Likely benign (2). Last evaluated 2021-05-18.

Conditions:
Naxos disease (NXD). Also called: KERATOSIS PALMOPLANTARIS WITH ARRHYTHMOGENIC CARDIOMYOPATHY; MAL DE NAXOS; PALMOPLANTAR KERATODERMA WITH ARRHYTHMOGENIC RIGHT VENTRICULAR CARDIOMYOPATHY AND WOOLLY HAIR; WOOLLY HAIR, PALMOPLANTAR KERATODERMA, AND CARDIAC ABNORMALITIES; CARDIOMYOPATHY, ARRHYTHMOGENIC RIGHT VENTRICULAR, WITH SKIN, HAIR, AND NAIL ABNORMALITIES. Identifiers: Orphanet 34217, MedGen C1832600, MONDO:0011017, OMIM 601214.
Arrhythmogenic right ventricular dysplasia 12. Also called: ARRHYTHMOGENIC RIGHT VENTRICULAR DYSPLASIA, FAMILIAL, 12. Identifiers: MedGen C1969081, MONDO:0012684, OMIM 611528.

Allele frequency attached by ClinVar (database versions not stated): 1000 Genomes Project 30x 0.00718; TOPMed 0.01392; gnomAD 0.01486 and 0.01530; gnomAD exomes 0.01669; 1000 Genomes Project 0.00679.

Submissions (3):

GeneDx
Classification: Likely benign. Last evaluated: 2021-05-18. Review status: criteria provided, single submitter. Criteria: GeneDx Variant Classification Process June 2021. Collection method: clinical testing. Allele origin: germline. Affected: yes.

Illumina Laboratory Services, Illumina
Classification: Likely benign for Arrhythmogenic right ventricular dysplasia 12. Last evaluated: 2018-01-13. Review status: criteria provided, single submitter. Criteria: ICSL Variant Classification Criteria 13 December 2019. Collection method: clinical testing. Allele origin: germline.
Comment: This variant was observed in the ICSL laboratory as part of a predisposition screen in an ostensibly healthy population. It had not been previously curated by ICSL or reported in the Human Gene Mutation Database (HGMD: prior to June 1st, 2018), and was therefore a candidate for classification through an automated scoring system. Utilizing variant allele frequency, disease prevalence and penetrance estimates, and inheritance mode, an automated score was calculated to assess if this variant is too frequent to cause the disease. Based on the score and internal cut-off values, a variant classified as likely benign is not then subjected to further curation. The score for this variant resulted in a classification of likely benign for this disease.

Illumina Laboratory Services, Illumina
Classification: Uncertain significance for Naxos disease. Last evaluated: 2018-01-13. Review status: criteria provided, single submitter. Criteria: ICSL Variant Classification Criteria 13 December 2019. Collection method: clinical testing. Allele origin: germline.

NM_002230.4(JUP):c.*853C>T

Gene: JUP (junction plakoglobin; minus strand). Cytogenetic location: 17q21.2.
Variant type: single nucleotide variant.
Coding change: c.*853C>T on transcript NM_002230.4 (MANE Select); 853 bases downstream of the stop codon, C replaced by T.
Molecular consequence: 3 prime UTR variant.
Genome position (GRCh38, 1-based): chr17:41,754,891, G>A on the plus strand (C>T on the coding strand, the complement: JUP is on the minus strand). VCF-style: chr17-41754891-G-A. GRCh37 (hg19) VCF-style: chr17-39911143-G-A.
Other names: c.*853C>T (NM_001352773.2); c.*556C>T (NM_001352774.2, NM_001352775.2, NM_001352776.2 and 2 more transcripts).
Identifiers: ClinVar variation 890078 (VCV000890078.5), dbSNP rs55919561, ClinGen allele CA15909288.
Genomic context (GRCh38, chr17:41,754,891, plus strand): 5'-GTGTGGGTGGGACAGGGGTGTGAGGAAGCTGTCCCCAGAGCTCCCTGGGGAGTGAGGGGT[G>A]GGCAAAGCCAACTAAGCACCCTGGAGAGAGAAGCTGGCATCTTCTGGAGCAGGTGACTCA-3'